The following is an entry in ClinVar:

NM_000318.3(PEX2):c.*2306A>G

Gene: PEX2 (peroxisomal biogenesis factor 2; minus strand). Cytogenetic location: 8q21.13.
Variant type: single nucleotide variant.
Coding change: c.*2306A>G on transcript NM_000318.3 (MANE Select); 2306 bases downstream of the stop codon, A replaced by G.
Molecular consequence: 3 prime UTR variant.
Genome position (GRCh38, 1-based): chr8:76,980,955, T>C on the plus strand (A>G on the coding strand, the complement: PEX2 is on the minus strand). VCF-style: chr8-76980955-T-C. GRCh37 (hg19) VCF-style: chr8-77893191-T-C.
Other names: c.*2306A>G (NM_001079867.2, NM_001172086.2, NM_001172087.2).
Identifiers: ClinVar variation 363779 (VCV000363779.5), dbSNP rs59296540, ClinGen allele CA10631604.

ClinVar aggregate classification (germline): Benign (1 of 4 stars; one submission).

Conditions:
Peroxisome biogenesis disorder 5A (Zellweger) (PBD5A). Identifiers: Orphanet 912, MedGen C3553940, MONDO:0013932, OMIM 614866.

Allele frequency attached by ClinVar (database versions not stated): gnomAD 0.00940 and 0.01019; 1000 Genomes Project 0.00958; TOPMed 0.01087; 1000 Genomes Project 30x 0.01140.

Submission:

Illumina Laboratory Services, Illumina
Classification: Benign for Peroxisome biogenesis disorder 5A (Zellweger). Last evaluated: 2018-01-13. Review status: criteria provided, single submitter. Criteria: ICSL Variant Classification Criteria 13 December 2019. Collection method: clinical testing. Allele origin: germline.
Comment: This variant was observed in the ICSL laboratory as part of a predisposition screen in an ostensibly healthy population. It had not been previously curated by ICSL or reported in the Human Gene Mutation Database (HGMD: prior to June 1st, 2018), and was therefore a candidate for classification through an automated scoring system. Utilizing variant allele frequency, disease prevalence and penetrance estimates, and inheritance mode, an automated score was calculated to assess if this variant is too frequent to cause the disease. Based on the score and internal cut-off values, a variant classified as benign is not then subjected to further curation. The score for this variant resulted in a classification of benign for this disease.